The following is an entry in ClinVar:

ClinVar aggregate classification (germline): Uncertain significance (1 of 4 stars; one submission).

Conditions:
LAMA2-related muscular dystrophy (LAMA2-RD). Also called: Laminin alpha 2-related dystrophy. Identifiers: MedGen C5679788, MONDO:0100228.

Allele frequency attached by ClinVar (database versions not stated): TOPMed 0.00002.
gnomAD v4.1: 5 of 1,613,826 alleles (0.00031%); highest among the groups gnomAD compares: Admixed American, 0.0033%; no homozygotes.

Submission:

Labcorp Genetics (formerly Invitae), Labcorp
Classification: Uncertain significance for LAMA2-related muscular dystrophy. Last evaluated: 2021-09-01. Review status: criteria provided, single submitter. Criteria: Invitae Variant Classification Sherloc (09022015). Collection method: clinical testing. Allele origin: germline.
Comment: This sequence change replaces phenylalanine with leucine at codon 2766 of the LAMA2 protein (p.Phe2766Leu). The phenylalanine residue is highly conserved and there is a small physicochemical difference between phenylalanine and leucine. This variant is not present in population databases (ExAC no frequency). This variant has not been reported in the literature in individuals affected with LAMA2-related conditions. Algorithms developed to predict the effect of missense changes on protein structure and function are either unavailable or do not agree on the potential impact of this missense change (SIFT: "Deleterious"; PolyPhen-2: "Probably Damaging"; Align-GVGD: "Class C0"). In summary, the available evidence is currently insufficient to determine the role of this variant in disease. Therefore, it has been classified as a Variant of Uncertain Significance.

NM_000426.4(LAMA2):c.8298C>A (p.Phe2766Leu)

Genes: LAMA2 (laminin subunit alpha 2; plus strand), LOC126859784 (CDK7 strongly-dependent group 2 enhancer GRCh37_chr6:129822854-129824053; plus strand). Cytogenetic location: 6q22.33.
Variant type: single nucleotide variant.
Coding change: c.8298C>A on transcript NM_000426.4 (MANE Select); coding-DNA position 8298, C replaced by A.
Protein change: p.Phe2766Leu; replaces phenylalanine 2766 with leucine.
Molecular consequence: missense variant.
Genome position (GRCh38, 1-based): chr6:129,502,712, C>A. VCF-style: chr6-129502712-C-A. GRCh37 (hg19) VCF-style: chr6-129823857-C-A.
Other names: c.8286C>A, p.Phe2762Leu (NM_001079823.2); short protein forms F2762L, F2766L.
Identifiers: ClinVar variation 645808 (VCV000645808.6), dbSNP rs145295628, ClinGen allele CA146923600.
Genomic context (GRCh38, chr6:129,502,712, plus strand): 5'-TTTACAGGGTCCTTGTGCTGCAGAATCAGAACCAGCTCTTTTGATAGGGAGCAAGCAGTT[C>A]GGGCTTTCAAGAAACAGTCACATTGCAATTGCATTTGATGACACCAAAGTTAAAAACCGG-3'
Protein context (NP_000417.3, residues 2756-2776): EPALLIGSKQ[Phe2766Leu]GLSRNSHIAI